The following is an entry in ClinVar:

NM_000081.4(LYST):c.8951T>C (p.Val2984Ala)

Gene: LYST (lysosomal trafficking regulator; minus strand). Cytogenetic location: 1q42.3.
Variant type: single nucleotide variant.
Coding change: c.8951T>C on transcript NM_000081.4 (MANE Select); coding-DNA position 8951, T replaced by C.
Protein change: p.Val2984Ala; replaces valine 2984 with alanine.
Molecular consequence: missense variant.
Genome position (GRCh38, 1-based): chr1:235,730,940, A>G on the plus strand (T>C on the coding strand, the complement: LYST is on the minus strand). VCF-style: chr1-235730940-A-G. GRCh37 (hg19) VCF-style: chr1-235894240-A-G.
Other names: c.8951T>C, p.Val2984Ala (NM_001301365.1); short protein forms V2984A.
Identifiers: ClinVar variation 3667876 (VCV003667876.2).
Genomic context (GRCh38, chr1:235,730,940, plus strand): 5'-GTAGAAGAGAAAGAAGAATGAGTTTTGTCTTCAAACAGGTAAGAGAGTGGTGGTTTGACA[A>G]CATCTGTTGAGGAGAAAAGTAAATATTATCTTTATCTAATGACCATAGTTCTCTGCTATA-3'
Protein context (NP_000072.2, residues 2974-2994): LLRDRQKSED[Val2984Ala]VKPPLSYLFE

ClinVar aggregate classification (germline): Uncertain significance (1 of 4 stars; one submission).

Conditions:
Chédiak-Higashi syndrome (CHS). Also called: Chediak-Higashi Syndrome. Identifiers: Orphanet 167, MedGen C0007965, MONDO:0008963, OMIM 214500.

gnomAD v4.1: 3 of 1,611,838 alleles (0.00019%); highest among the groups gnomAD compares: South Asian, 0.0022%; no homozygotes.

Submission:

Labcorp Genetics (formerly Invitae), Labcorp
Classification: Uncertain significance for Chédiak-Higashi syndrome. Last evaluated: 2024-09-19. Review status: criteria provided, single submitter. Criteria: Invitae Variant Classification Sherloc (09022015). Collection method: clinical testing. Allele origin: germline.
Comment: This sequence change replaces valine, which is neutral and non-polar, with alanine, which is neutral and non-polar, at codon 2984 of the LYST protein (p.Val2984Ala). This variant is present in population databases (no rsID available, gnomAD 0.006%). This variant has not been reported in the literature in individuals affected with LYST-related conditions. Invitae Evidence Modeling of protein sequence and biophysical properties (such as structural, functional, and spatial information, amino acid conservation, physicochemical variation, residue mobility, and thermodynamic stability) indicates that this missense variant is not expected to disrupt LYST protein function with a negative predictive value of 80%. In summary, the available evidence is currently insufficient to determine the role of this variant in disease. Therefore, it has been classified as a Variant of Uncertain Significance.